The following is an entry in ClinVar:

ClinVar aggregate classification (germline): Uncertain significance (1 of 4 stars; one submission).

Conditions:
Early-infantile DEE. Also called: Early infantile epileptic encephalopathy with suppression bursts; Early infantile epileptic encephalopathy; Ohtahara syndrome. Identifiers: Orphanet 1934, MedGen C0393706, MONDO:0800491.

Allele frequency attached by ClinVar (database versions not stated): gnomAD 0.00002; TOPMed 0.00002.
gnomAD v4.1: 49 of 1,614,062 alleles (0.003%); highest among the groups gnomAD compares: Non-Finnish European, 0.004%; no homozygotes.

Submission:

Labcorp Genetics (formerly Invitae), Labcorp
Classification: Uncertain significance for Early-infantile DEE. Last evaluated: 2024-10-31. Review status: criteria provided, single submitter. Criteria: Invitae Variant Classification Sherloc (09022015). Collection method: clinical testing. Allele origin: germline.
Comment: This sequence change replaces serine, which is neutral and polar, with glycine, which is neutral and non-polar, at codon 888 of the KCNH5 protein (p.Ser888Gly). This variant is not present in population databases (gnomAD no frequency). This variant has not been reported in the literature in individuals affected with KCNH5-related conditions. ClinVar contains an entry for this variant (Variation ID: 3022041). Invitae Evidence Modeling of protein sequence and biophysical properties (such as structural, functional, and spatial information, amino acid conservation, physicochemical variation, residue mobility, and thermodynamic stability) indicates that this missense variant is not expected to disrupt KCNH5 protein function with a negative predictive value of 95%. In summary, the available evidence is currently insufficient to determine the role of this variant in disease. Therefore, it has been classified as a Variant of Uncertain Significance.

NM_139318.5(KCNH5):c.2662A>G (p.Ser888Gly)

Gene: KCNH5 (potassium voltage-gated channel subfamily H member 5; minus strand). Cytogenetic location: 14q23.2.
Variant type: single nucleotide variant.
Coding change: c.2662A>G on transcript NM_139318.5 (MANE Select); coding-DNA position 2662, A replaced by G.
Protein change: p.Ser888Gly; replaces serine 888 with glycine.
Molecular consequence: missense variant. On other transcripts: 3 prime UTR variant (1).
Genome position (GRCh38, 1-based): chr14:62,707,813, T>C on the plus strand (A>G on the coding strand, the complement: KCNH5 is on the minus strand). VCF-style: chr14-62707813-T-C. GRCh37 (hg19) VCF-style: chr14-63174531-T-C.
Other names: c.*629A>G (NM_172375.3); short protein forms S888G.
Identifiers: ClinVar variation 3022041 (VCV003022041.3), dbSNP rs1884469099, ClinGen allele CA390100108.